The following is an entry in ClinVar:

ClinVar aggregate classification (germline): Uncertain significance (1 of 4 stars; one submission).

Conditions:
Charcot-Marie-Tooth disease type 4. Also called: Charcot-Marie-Tooth disease, type IV; Charcot-Marie-Tooth, Type 4. Identifiers: Orphanet 64749, MedGen C4082197, MONDO:0018995.

Submission:

Labcorp Genetics (formerly Invitae), Labcorp
Classification: Uncertain significance for Charcot-Marie-Tooth disease type 4. Last evaluated: 2024-02-23. Review status: criteria provided, single submitter. Criteria: Invitae Variant Classification Sherloc (09022015). Collection method: clinical testing. Allele origin: germline.
Comment: This sequence change replaces proline, which is neutral and non-polar, with arginine, which is basic and polar, at codon 256 of the SBF2 protein (p.Pro256Arg). This variant is not present in population databases (gnomAD no frequency). This variant has not been reported in the literature in individuals affected with SBF2-related conditions. ClinVar contains an entry for this variant (Variation ID: 1355255). Advanced modeling of protein sequence and biophysical properties (such as structural, functional, and spatial information, amino acid conservation, physicochemical variation, residue mobility, and thermodynamic stability) performed at Invitae indicates that this missense variant is expected to disrupt SBF2 protein function with a positive predictive value of 80%. In summary, the available evidence is currently insufficient to determine the role of this variant in disease. Therefore, it has been classified as a Variant of Uncertain Significance.

NM_030962.4(SBF2):c.767C>G (p.Pro256Arg)

Gene: SBF2 (SET binding factor 2; minus strand). Cytogenetic location: 11p15.4.
Variant type: single nucleotide variant.
Coding change: c.767C>G on transcript NM_030962.4 (MANE Select); coding-DNA position 767, C replaced by G.
Protein change: p.Pro256Arg; replaces proline 256 with arginine.
Molecular consequence: missense variant.
Genome position (GRCh38, 1-based): chr11:10,001,008, G>C on the plus strand (C>G on the coding strand, the complement: SBF2 is on the minus strand). VCF-style: chr11-10001008-G-C. GRCh37 (hg19) VCF-style: chr11-10022555-G-C.
Other names: c.767C>G, p.Pro256Arg (NM_001386339.1, NM_001386342.1); short protein forms P256R.
Identifiers: ClinVar variation 1355255 (VCV001355255.8), dbSNP rs1947932193, ClinGen allele CA379642063.